The following is an entry in ClinVar:

ClinVar aggregate classification (germline): Uncertain significance (1 of 4 stars; one submission).

Allele frequency attached by ClinVar (database versions not stated): gnomAD exomes 0.00001.

Submission:

Labcorp Genetics (formerly Invitae), Labcorp
Classification: Uncertain significance. Last evaluated: 2022-07-05. Review status: criteria provided, single submitter. Criteria: Invitae Variant Classification Sherloc (09022015). Collection method: clinical testing. Allele origin: germline.
Comment: In summary, the available evidence is currently insufficient to determine the role of this variant in disease. Therefore, it has been classified as a Variant of Uncertain Significance. Advanced modeling of protein sequence and biophysical properties (such as structural, functional, and spatial information, amino acid conservation, physicochemical variation, residue mobility, and thermodynamic stability) performed at Invitae indicates that this missense variant is not expected to disrupt COL9A1 protein function. ClinVar contains an entry for this variant (Variation ID: 837773). This variant has not been reported in the literature in individuals affected with COL9A1-related conditions. This variant is not present in population databases (gnomAD no frequency). This sequence change replaces leucine, which is neutral and non-polar, with proline, which is neutral and non-polar, at codon 791 of the COL9A1 protein (p.Leu791Pro).

NM_001851.6(COL9A1):c.2372T>C (p.Leu791Pro)

Gene: COL9A1 (collagen type IX alpha 1 chain; minus strand). Cytogenetic location: 6q13.
Variant type: single nucleotide variant.
Coding change: c.2372T>C on transcript NM_001851.6 (MANE Select); coding-DNA position 2372, T replaced by C.
Protein change: p.Leu791Pro; replaces leucine 791 with proline.
Molecular consequence: missense variant. On other transcripts: non-coding transcript variant (1).
Genome position (GRCh38, 1-based): chr6:70,232,714, A>G on the plus strand (T>C on the coding strand, the complement: COL9A1 is on the minus strand). VCF-style: chr6-70232714-A-G. GRCh37 (hg19) VCF-style: chr6-70942417-A-G.
Other names: c.1673T>C, p.Leu558Pro (NM_001377289.1); c.1496T>C, p.Leu499Pro (NM_001377290.1); c.1643T>C, p.Leu548Pro (NM_078485.4); short protein forms L791P, L499P, L548P, L558P.
Identifiers: ClinVar variation 837773 (VCV000837773.11), dbSNP rs1769631044, ClinGen allele CA364672037.